The following is an entry in ClinVar:

ClinVar aggregate classification (germline): Uncertain significance. Review status: criteria provided, multiple submitters, no conflicts (2 of 4 stars). 4 submissions from 4 submitters: Uncertain significance (4). Last evaluated 2025-05-29.

Conditions:
Nephronophthisis. Also called: Juvenile Nephronophthisis. Identifiers: Orphanet 655, MedGen C0687120, MONDO:0019005, HP:0000090.
Jeune thoracic dystrophy. Also called: Jeune syndrome; Infantile thoracic dystrophy; Thoracic pelvic phalangeal dystrophy; Jeune's syndrome; Chondroectodermal dysplasia-like syndrome; Short-rib thoracic dysplasia. Identifiers: Orphanet 474, MedGen C0265275, MONDO:0018770.
Nephronophthisis 12 (NPHP12). Identifiers: Orphanet 655, MedGen C3151186, MONDO:0013442, OMIM 613820.
Asphyxiating thoracic dystrophy 4 (SRTD4). Also called: SHORT-RIB THORACIC DYSPLASIA 4 WITH OR WITHOUT POLYDACTYLY; SHORT-RIB THORACIC DYSPLASIA 4. Identifiers: Orphanet 474, MedGen C3151185, MONDO:0013441, OMIM 613819.
TTC21B-related disorder. Also called: TTC21B-related disorders; TTC21B-related condition.

Allele frequency attached by ClinVar (database versions not stated): TOPMed 0.00003; gnomAD exomes 0.00001 and 0.00002; ExAC 0.00002; gnomAD 0.00002 and 0.00003.
gnomAD v4.1: 22 of 1,614,024 alleles (0.0014%); highest among the groups gnomAD compares: Non-Finnish European, 0.0019%; no homozygotes.

Submissions (4):

PreventionGenetics, part of Exact Sciences
Classification: Uncertain significance for TTC21B-related condition. Last evaluated: 2025-05-29. Review status: criteria provided, single submitter. Criteria: ACMG Guidelines, 2015. Collection method: clinical testing. Allele origin: germline.
Comment: The TTC21B c.3572T>C variant is predicted to result in the amino acid substitution p.Ile1191Thr. To our knowledge, this variant has not been reported in the literature. This variant is reported in 0.0039% of alleles in individuals of European (Non-Finnish) descent in gnomAD. At this time, the clinical significance of this variant is uncertain due to the absence of conclusive functional and genetic evidence.

Fulgent Genetics
Classification: Uncertain significance for Asphyxiating thoracic dystrophy 4; Nephronophthisis 12. Last evaluated: 2024-04-29. Review status: criteria provided, single submitter. Criteria: ACMG Guidelines, 2015. Collection method: clinical testing. Allele origin: germline.

Labcorp Genetics (formerly Invitae), Labcorp
Classification: Uncertain significance for Jeune thoracic dystrophy; Nephronophthisis. Last evaluated: 2022-07-01. Review status: criteria provided, single submitter. Criteria: Invitae Variant Classification Sherloc (09022015). Collection method: clinical testing. Allele origin: germline.
Comment: This sequence change replaces isoleucine, which is neutral and non-polar, with threonine, which is neutral and polar, at codon 1191 of the TTC21B protein (p.Ile1191Thr). This variant is present in population databases (rs776721597, gnomAD 0.004%). This variant has not been reported in the literature in individuals affected with TTC21B-related conditions. ClinVar contains an entry for this variant (Variation ID: 1404778). Algorithms developed to predict the effect of missense changes on protein structure and function (SIFT, PolyPhen-2, Align-GVGD) all suggest that this variant is likely to be tolerated. In summary, the available evidence is currently insufficient to determine the role of this variant in disease. Therefore, it has been classified as a Variant of Uncertain Significance.

GeneDx
Classification: Uncertain significance. Last evaluated: 2022-01-07. Review status: criteria provided, single submitter. Criteria: GeneDx Variant Classification Process June 2021. Collection method: clinical testing. Allele origin: germline. Affected: yes.
Comment: Not observed at significant frequency in large population cohorts (gnomAD); In silico analysis supports that this missense variant does not alter protein structure/function; Has not been previously published as pathogenic or benign to our knowledge

NM_024753.5(TTC21B):c.3572T>C (p.Ile1191Thr)

Gene: TTC21B (tetratricopeptide repeat domain 21B; minus strand). Cytogenetic location: 2q24.3.
Variant type: single nucleotide variant.
Coding change: c.3572T>C on transcript NM_024753.5 (MANE Select); coding-DNA position 3572, T replaced by C.
Protein change: p.Ile1191Thr; replaces isoleucine 1191 with threonine.
Molecular consequence: missense variant.
Genome position (GRCh38, 1-based): chr2:165,883,906, A>G on the plus strand (T>C on the coding strand, the complement: TTC21B is on the minus strand). VCF-style: chr2-165883906-A-G. GRCh37 (hg19) VCF-style: chr2-166740416-A-G.
Other names: short protein forms I1191T.
Identifiers: ClinVar variation 1404778 (VCV001404778.7), dbSNP rs776721597, ClinGen allele CA1941469.